The following is an entry in ClinVar:

ClinVar aggregate classification (germline): Uncertain significance (1 of 4 stars; one submission).

Allele frequency attached by ClinVar (database versions not stated): gnomAD exomes 0.00001; TOPMed 0.00001; ExAC 0.00002; gnomAD 0.00002.
gnomAD v4.1: 6 of 1,614,002 alleles (0.00037%); highest among the groups gnomAD compares: African/African-American, 0.0027%; no homozygotes.

Submission:

Labcorp Genetics (formerly Invitae), Labcorp
Classification: Uncertain significance. Last evaluated: 2023-06-03. Review status: criteria provided, single submitter. Criteria: Invitae Variant Classification Sherloc (09022015). Collection method: clinical testing. Allele origin: germline.
Comment: This sequence change replaces alanine, which is neutral and non-polar, with threonine, which is neutral and polar, at codon 554 of the FAT4 protein (p.Ala554Thr). In summary, the available evidence is currently insufficient to determine the role of this variant in disease. Therefore, it has been classified as a Variant of Uncertain Significance. Advanced modeling of protein sequence and biophysical properties (such as structural, functional, and spatial information, amino acid conservation, physicochemical variation, residue mobility, and thermodynamic stability) performed at Invitae indicates that this missense variant is expected to disrupt FAT4 protein function. ClinVar contains an entry for this variant (Variation ID: 1985062). This variant has not been reported in the literature in individuals affected with FAT4-related conditions. This variant is present in population databases (rs781574039, gnomAD 0.005%).

NM_001291303.3(FAT4):c.1660G>A (p.Ala554Thr)

Gene: FAT4 (FAT atypical cadherin 4; plus strand). Cytogenetic location: 4q28.1.
Variant type: single nucleotide variant.
Coding change: c.1660G>A on transcript NM_001291303.3 (MANE Select); coding-DNA position 1660, G replaced by A.
Protein change: p.Ala554Thr; replaces alanine 554 with threonine.
Molecular consequence: missense variant.
Genome position (GRCh38, 1-based): chr4:125,318,071, G>A. VCF-style: chr4-125318071-G-A. GRCh37 (hg19) VCF-style: chr4-126239226-G-A.
Other names: c.1660G>A, p.Ala554Thr (NM_001291285.3, NM_024582.6); short protein forms A554T.
Identifiers: ClinVar variation 1985062 (VCV001985062.3), dbSNP rs781574039, ClinGen allele CA3072029.